The following is an entry in ClinVar:

ClinVar aggregate classification (germline): Uncertain significance (1 of 4 stars; one submission).

Conditions:
Antley-Bixler syndrome with genital anomalies and disordered steroidogenesis (ABS1). Also called: POR Deficiency. Identifiers: Orphanet 63269, MedGen C3150099, MONDO:0008726, OMIM 201750.

Submission:

Juno Genomics, Hangzhou Juno Genomics, Inc
Classification: Uncertain significance for Antley-Bixler syndrome with genital anomalies and disordered steroidogenesis. Review status: criteria provided, single submitter. Criteria: ACMG Guidelines, 2015. Collection method: clinical testing. Allele origin: germline.
Comment: Absent from controls (or at extremely low frequency if recessive) in Genome Aggregation Database.;For recessive disorders, detected in trans with a pathogenic variant.

NM_001395413.1(POR):c.1622T>C (p.Ile541Thr)

Gene: POR (cytochrome p450 oxidoreductase; plus strand). Cytogenetic location: 7q11.23.
Variant type: single nucleotide variant.
Coding change: c.1622T>C on transcript NM_001395413.1 (MANE Select); coding-DNA position 1622, T replaced by C.
Protein change: p.Ile541Thr; replaces isoleucine 541 with threonine.
Molecular consequence: missense variant.
Genome position (GRCh38, 1-based): chr7:75,985,811, T>C. VCF-style: chr7-75985811-T-C. GRCh37 (hg19) VCF-style: chr7-75615129-T-C.
Other names: c.1622T>C, p.Ile541Thr (NM_001382659.3, NM_001367562.3, NM_001382657.2 and 1 more transcripts); c.1472T>C, p.Ile491Thr (NM_001382662.3); c.1676T>C, p.Ile559Thr (NM_001382655.3); short protein forms I491T, I541T, I559T.
Identifiers: ClinVar variation 5037970 (VCV005037970.2).